The following is an entry in ClinVar:

NM_001042492.3(NF1):c.904A>T (p.Ser302Cys)

Gene: NF1 (neurofibromin 1; plus strand). Cytogenetic location: 17q11.2.
Variant type: single nucleotide variant.
Coding change: c.904A>T on transcript NM_001042492.3 (MANE Select); coding-DNA position 904, A replaced by T.
Protein change: p.Ser302Cys; replaces serine 302 with cysteine.
Molecular consequence: missense variant.
Genome position (GRCh38, 1-based): chr17:31,200,437, A>T. VCF-style: chr17-31200437-A-T. GRCh37 (hg19) VCF-style: chr17-29527455-A-T.
Other names: c.904A>T, p.Ser302Cys (NM_000267.4, NM_001128147.3); short protein forms S302C.
Identifiers: ClinVar variation 4034075 (VCV004034075.1).

ClinVar aggregate classification (germline): Uncertain significance (1 of 4 stars; one submission).

Conditions:
Cardiovascular phenotype. Identifiers: MedGen CN230736.
Hereditary cancer-predisposing syndrome. Also called: Neoplastic Syndromes, Hereditary; Tumor predisposition; Hereditary neoplastic syndrome; Hereditary Cancer Syndrome. Identifiers: Orphanet 140162, MedGen C0027672, MeSH D009386, MONDO:0015356.

Submission:

Ambry Genetics
Classification: Uncertain significance for Cardiovascular phenotype; Hereditary cancer-predisposing syndrome. Last evaluated: 2025-05-27. Review status: criteria provided, single submitter. Criteria: Ambry Variant Classification Scheme 2023. Collection method: clinical testing. Allele origin: germline.
Comment: The p.S302C variant (also known as c.904A>T), located in coding exon 9 of the NF1 gene, results from an A to T substitution at nucleotide position 904. The serine at codon 302 is replaced by cysteine, an amino acid with dissimilar properties. This amino acid position is conserved. In addition, the in silico prediction for this alteration is inconclusive. Based on the available evidence, the clinical significance of this variant remains unclear.